The following is an entry in ClinVar:

NM_001369369.1(FOXN1):c.160G>A (p.Asp54Asn)

Gene: FOXN1 (forkhead box N1; plus strand). Cytogenetic location: 17q11.2.
Variant type: single nucleotide variant.
Coding change: c.160G>A on transcript NM_001369369.1 (MANE Select); coding-DNA position 160, G replaced by A.
Protein change: p.Asp54Asn; replaces aspartic acid 54 with asparagine.
Molecular consequence: missense variant.
Genome position (GRCh38, 1-based): chr17:28,524,539, G>A. VCF-style: chr17-28524539-G-A. GRCh37 (hg19) VCF-style: chr17-26851557-G-A.
Other names: c.160G>A, p.Asp54Asn (NM_003593.3); short protein forms D54N.
Identifiers: ClinVar variation 665813 (VCV000665813.7), dbSNP rs200888774, ClinGen allele CA8459163.
Genomic context (GRCh38, chr17:28,524,539, plus strand): 5'-GCTCGCTACTCTCTGTCTACCCAGAAGCATGCCGGCTTCAGCTGCTCGTCATTTGTGTCC[G>A]ACGGCCCTCCAGAGAGGACACCCTCACTGCCCCCACACAGCCCCCGCATTGCGTCACCAG-3'
Protein context (NP_001356298.1, residues 44-64): AGFSCSSFVS[Asp54Asn]GPPERTPSLP

ClinVar aggregate classification (germline): Uncertain significance. Review status: criteria provided, multiple submitters, no conflicts (2 of 4 stars). 3 submissions from 3 submitters: Uncertain significance (2). 1 of the submissions does not count toward it. Last evaluated 2025-02-20.

Conditions:
Inborn genetic diseases. Identifiers: MedGen C0950123, MeSH D030342.
FOXN1-related disorder. Also called: FOXN1-related condition.
T-cell immunodeficiency, congenital alopecia, and nail dystrophy. Also called: Congenital alopecia and nail dystrophy associated with severe functional T-cell immunodeficiency; Pignata Guarino syndrome. Identifiers: Orphanet 169095, MedGen C1866426, MONDO:0011132, OMIM 601705.

Allele frequency attached by ClinVar (database versions not stated): 1000 Genomes Project below 0.00001; TOPMed 0.00001; ExAC 0.00002; gnomAD 0.00003 and 0.00004; gnomAD exomes 0.00003 and 0.00010.
gnomAD v4.1: 143 of 1,613,578 alleles (0.0089%); highest among the groups gnomAD compares: South Asian, 0.013%; no homozygotes.

Submissions (3):

Ambry Genetics
Classification: Uncertain significance for Inborn genetic diseases. Last evaluated: 2025-02-20. Review status: criteria provided, single submitter. Criteria: Ambry Variant Classification Scheme 2023. Collection method: clinical testing. Allele origin: germline.

Labcorp Genetics (formerly Invitae), Labcorp
Classification: Uncertain significance for T-cell immunodeficiency, congenital alopecia, and nail dystrophy. Last evaluated: 2025-02-02. Review status: criteria provided, single submitter. Criteria: Invitae Variant Classification Sherloc (09022015). Collection method: clinical testing. Allele origin: germline.
Comment: This sequence change replaces aspartic acid, which is acidic and polar, with asparagine, which is neutral and polar, at codon 54 of the FOXN1 protein (p.Asp54Asn). This variant is present in population databases (rs200888774, gnomAD 0.008%). This variant has not been reported in the literature in individuals affected with FOXN1-related conditions. ClinVar contains an entry for this variant (Variation ID: 665813). Invitae Evidence Modeling of protein sequence and biophysical properties (such as structural, functional, and spatial information, amino acid conservation, physicochemical variation, residue mobility, and thermodynamic stability) indicates that this missense variant is not expected to disrupt FOXN1 protein function with a negative predictive value of 80%. In summary, the available evidence is currently insufficient to determine the role of this variant in disease. Therefore, it has been classified as a Variant of Uncertain Significance.

PreventionGenetics, part of Exact Sciences
Classification: Uncertain significance for FOXN1-related condition. Last evaluated: 2024-09-15. Review status: no assertion criteria provided. Collection method: clinical testing. Allele origin: germline. Not counted in ClinVar's aggregate classification.
Comment: The FOXN1 c.160G>A variant is predicted to result in the amino acid substitution p.Asp54Asn. To our knowledge, this variant has not been reported in the literature. This variant is reported in 0.0098% of alleles in individuals of South Asian descent in gnomAD. At this time, the clinical significance of this variant is uncertain due to the absence of conclusive functional and genetic evidence.